The following is an entry in ClinVar:

NM_002485.5(NBN):c.441C>T (p.Cys147=)

Gene: NBN (nibrin; minus strand). Cytogenetic location: 8q21.3.
Variant type: single nucleotide variant.
Coding change: c.441C>T on transcript NM_002485.5 (MANE Select); coding-DNA position 441, C replaced by T.
Protein change: p.Cys147=; no amino-acid change (cysteine 147 retained).
Molecular consequence: synonymous variant.
Genome position (GRCh38, 1-based): chr8:89,980,773, G>A on the plus strand (C>T on the coding strand, the complement: NBN is on the minus strand). VCF-style: chr8-89980773-G-A. GRCh37 (hg19) VCF-style: chr8-90993001-G-A.
Other names: c.195C>T, p.Cys65= (NM_001024688.3).
Identifiers: ClinVar variation 215824 (VCV000215824.29), dbSNP rs137857529, ClinGen allele CA337675.

ClinVar aggregate classification (germline): Benign/Likely benign. Review status: criteria provided, multiple submitters, no conflicts (2 of 4 stars). 9 submissions from 9 submitters: Benign (3); Likely benign (4). 2 of the submissions do not count toward it. Last evaluated 2026-01-28.

Conditions:
NBN-related disorder. Also called: NBN-related condition.
Hereditary cancer-predisposing syndrome. Also called: Neoplastic Syndromes, Hereditary; Tumor predisposition; Hereditary Cancer Syndrome; Hereditary neoplastic syndrome. Identifiers: Orphanet 140162, MedGen C0027672, MeSH D009386, MONDO:0015356.
Microcephaly, normal intelligence and immunodeficiency (NBS). Also called: SEEMANOVA SYNDROME II; BERLIN BREAKAGE SYNDROME; Immunodeficiency, microcephaly with normal intelligence; Nijmegen breakage syndrome; Microcephaly with normal intelligence immunodeficiency and lymphoreticular malignancies; Nonsyndromal microcephaly autosomal recessive with normal intelligence. Identifiers: Orphanet 647, MedGen C0398791, MONDO:0009623, OMIM 251260.

Allele frequency attached by ClinVar (database versions not stated): gnomAD exomes 0.00005 and 0.00014; ExAC 0.00013; 1000 Genomes Project 0.00040; ESP Exome Variant Server 0.00054; TOPMed 0.00058; gnomAD 0.00059 and 0.00062; 1000 Genomes Project 30x 0.00062.
gnomAD v4.1: 164 of 1,613,400 alleles (0.01%); highest among the groups gnomAD compares: African/African-American, 0.18%; no homozygotes.

Submissions (9):

Labcorp Genetics (formerly Invitae), Labcorp
Classification: Benign for Microcephaly, normal intelligence and immunodeficiency. Last evaluated: 2026-01-28. Review status: criteria provided, single submitter. Criteria: Invitae Variant Classification Sherloc (09022015). Collection method: clinical testing. Allele origin: germline.

Quest Diagnostics Nichols Institute San Juan Capistrano
Classification: Likely benign. Last evaluated: 2025-09-08. Review status: criteria provided, single submitter. Criteria: Quest Diagnostics criteria. Collection method: clinical testing. Allele origin: unknown.

Blueprint Genetics
Classification: Likely benign. Last evaluated: 2024-05-09. Review status: criteria provided, single submitter. Criteria: ACMG Guidelines, 2015. Collection method: clinical testing. Allele origin: germline.

Women's Health and Genetics/Laboratory Corporation of America, LabCorp
Classification: Benign. Last evaluated: 2021-10-20. Review status: criteria provided, single submitter. Criteria: LabCorp Variant Classification Summary - May 2015. Collection method: clinical testing. Allele origin: germline.

Sema4
Classification: Likely benign for Hereditary cancer-predisposing syndrome. Last evaluated: 2021-03-13. Review status: criteria provided, single submitter. Criteria: Sema4 Curation Guidelines. Collection method: curation. Allele origin: germline.

Ambry Genetics
Classification: Likely benign for Hereditary cancer-predisposing syndrome. Last evaluated: 2015-03-26. Review status: criteria provided, single submitter. Criteria: Ambry Variant Classification Scheme 2023. Collection method: clinical testing. Allele origin: germline.

GeneDx
Classification: Benign. Last evaluated: 2015-03-03. Review status: criteria provided, single submitter. Criteria: GeneDx Variant Classification Process June 2021. Collection method: clinical testing. Allele origin: germline. Affected: yes.

Natera, Inc.
Classification: Likely benign for Nijmegen breakage syndrome. Last evaluated: 2020-01-02. Review status: no assertion criteria provided. Collection method: clinical testing. Allele origin: germline. Not counted in ClinVar's aggregate classification.

PreventionGenetics, part of Exact Sciences
Classification: Likely benign for NBN-related condition. Last evaluated: 2019-05-21. Review status: no assertion criteria provided. Collection method: clinical testing. Allele origin: germline. Not counted in ClinVar's aggregate classification.
Comment: This variant is classified as likely benign based on ACMG/AMP sequence variant interpretation guidelines (Richards et al. 2015 PMID: 25741868, with internal and published modifications).